The following is an entry in ClinVar:

ClinVar aggregate classification (germline): Uncertain significance (1 of 4 stars; one submission).

Submission:

Labcorp Genetics (formerly Invitae), Labcorp
Classification: Uncertain significance. Last evaluated: 2025-07-28. Review status: criteria provided, single submitter. Criteria: Invitae Variant Classification Sherloc (09022015). Collection method: clinical testing. Allele origin: germline.
Comment: This sequence change replaces glutamine, which is neutral and polar, with lysine, which is basic and polar, at codon 1295 of the TUBGCP6 protein (p.Gln1295Lys). This variant is not present in population databases (gnomAD no frequency). This variant has not been reported in the literature in individuals affected with TUBGCP6-related conditions. ClinVar contains an entry for this variant (Variation ID: 2124384). An algorithm developed to predict the effect of missense changes on protein structure and function (PolyPhen-2) suggests that this variant is likely to be tolerated. In summary, the available evidence is currently insufficient to determine the role of this variant in disease. Therefore, it has been classified as a Variant of Uncertain Significance.

NM_020461.4(TUBGCP6):c.3883C>A (p.Gln1295Lys)

Gene: TUBGCP6 (tubulin gamma complex component 6; minus strand). Cytogenetic location: 22q13.33.
Variant type: single nucleotide variant.
Coding change: c.3883C>A on transcript NM_020461.4 (MANE Select); coding-DNA position 3883, C replaced by A.
Protein change: p.Gln1295Lys; replaces glutamine 1295 with lysine.
Molecular consequence: missense variant.
Genome position (GRCh38, 1-based): chr22:50,220,476, G>T on the plus strand (C>A on the coding strand, the complement: TUBGCP6 is on the minus strand). VCF-style: chr22-50220476-G-T. GRCh37 (hg19) VCF-style: chr22-50658905-G-T.
Other names: short protein forms Q1295K.
Identifiers: ClinVar variation 2124384 (VCV002124384.4), dbSNP rs1555907270, ClinGen allele CA412177983.